The following is an entry in ClinVar:

ClinVar aggregate classification (germline): Uncertain significance. Review status: criteria provided, multiple submitters, no conflicts (2 of 4 stars). 5 submissions from 5 submitters: Uncertain significance (5). Last evaluated 2022-09-30.

Conditions:
Microcephaly 4, primary, autosomal recessive. Identifiers: Orphanet 2512, MedGen C1858516, MONDO:0011437, OMIM 604321.
Inborn genetic diseases. Identifiers: MedGen C0950123, MeSH D030342.

Allele frequency attached by ClinVar (database versions not stated): TOPMed 0.00026; gnomAD exomes 0.00027; ExAC 0.00028; gnomAD 0.00032 and 0.00034; ESP Exome Variant Server 0.00034.
gnomAD v4.1: 726 of 1,613,858 alleles (0.045%); highest among the groups gnomAD compares: Non-Finnish European, 0.053%; no homozygotes.

Submissions (5):

Ambry Genetics
Classification: Uncertain significance for Inborn genetic diseases. Last evaluated: 2022-09-30. Review status: criteria provided, single submitter. Criteria: Ambry Variant Classification Scheme 2023. Collection method: clinical testing. Allele origin: germline.

GeneDx
Classification: Uncertain significance. Last evaluated: 2021-06-11. Review status: criteria provided, single submitter. Criteria: GeneDx Variant Classification Process June 2021. Collection method: clinical testing. Allele origin: germline. Affected: yes.
Comment: In silico analysis supports that this missense variant has a deleterious effect on protein structure/function; Has not been previously published as pathogenic or benign to our knowledge; This variant is associated with the following publications: (PMID: 27535533)

CeGaT Center for Human Genetics Tuebingen
Classification: Uncertain significance. Last evaluated: 2021-06-01. Review status: criteria provided, single submitter. Criteria: CeGaT Center For Human Genetics Tuebingen Variant Classification Criteria Version 2. Collection method: clinical testing. Allele origin: germline. Affected: yes. Observed: 2 variant alleles.

Illumina Laboratory Services, Illumina
Classification: Uncertain significance for Microcephaly 4, primary, autosomal recessive. Last evaluated: 2018-01-13. Review status: criteria provided, single submitter. Criteria: ICSL Variant Classification Criteria 13 December 2019. Collection method: clinical testing. Allele origin: germline.

Center for Pediatric Genomic Medicine, Children's Mercy Hospital and Clinics
Classification: Uncertain significance. Last evaluated: 2017-06-22. Review status: criteria provided, single submitter. Criteria: ACMG Guidelines, 2015. Collection method: clinical testing. Allele origin: germline.

NM_144508.5(KNL1):c.1214A>G (p.Asp405Gly)

Gene: KNL1 (kinetochore scaffold 1; plus strand). Cytogenetic location: 15q15.1.
Variant type: single nucleotide variant.
Coding change: c.1214A>G on transcript NM_144508.5 (MANE Select); coding-DNA position 1214, A replaced by G.
Protein change: p.Asp405Gly; replaces aspartic acid 405 with glycine.
Molecular consequence: missense variant.
Genome position (GRCh38, 1-based): chr15:40,621,478, A>G. VCF-style: chr15-40621478-A-G. GRCh37 (hg19) VCF-style: chr15-40913676-A-G.
Other names: c.1292A>G, p.Asp431Gly (NM_170589.5); short protein forms D431G, D405G.
Identifiers: ClinVar variation 374462 (VCV000374462.52), dbSNP rs113313996, ClinGen allele CA7482628.